The following is an entry in ClinVar:

ClinVar aggregate classification (germline): Uncertain significance (1 of 4 stars; one submission).

Allele frequency attached by ClinVar (database versions not stated): ExAC 0.00001; gnomAD exomes 0.00001 and 0.00002.
gnomAD v4.1: 15 of 1,612,216 alleles (0.00093%); highest among the groups gnomAD compares: Admixed American, 0.0083%; no homozygotes.

Submission:

Labcorp Genetics (formerly Invitae), Labcorp
Classification: Uncertain significance. Last evaluated: 2022-07-06. Review status: criteria provided, single submitter. Criteria: Invitae Variant Classification Sherloc (09022015). Collection method: clinical testing. Allele origin: germline.
Comment: This sequence change replaces arginine, which is basic and polar, with cysteine, which is neutral and slightly polar, at codon 1536 of the KIAA1549 protein (p.Arg1536Cys). This variant is present in population databases (rs766618778, gnomAD 0.01%). This variant has not been reported in the literature in individuals affected with KIAA1549-related conditions. ClinVar contains an entry for this variant (Variation ID: 1467096). Algorithms developed to predict the effect of missense changes on protein structure and function (SIFT, PolyPhen-2, Align-GVGD) all suggest that this variant is likely to be disruptive. In summary, the available evidence is currently insufficient to determine the role of this variant in disease. Therefore, it has been classified as a Variant of Uncertain Significance.

NM_001164665.2(KIAA1549):c.4606C>T (p.Arg1536Cys)

Gene: KIAA1549 (KIAA1549; minus strand). Cytogenetic location: 7q34.
Variant type: single nucleotide variant.
Coding change: c.4606C>T on transcript NM_001164665.2 (MANE Select); coding-DNA position 4606, C replaced by T.
Protein change: p.Arg1536Cys; replaces arginine 1536 with cysteine.
Molecular consequence: missense variant.
Genome position (GRCh38, 1-based): chr7:138,869,707, G>A on the plus strand (C>T on the coding strand, the complement: KIAA1549 is on the minus strand). VCF-style: chr7-138869707-G-A. GRCh37 (hg19) VCF-style: chr7-138554453-G-A.
Other names: c.4606C>T, p.Arg1536Cys (NM_020910.3); short protein forms R1536C.
Identifiers: ClinVar variation 1467096 (VCV001467096.6), dbSNP rs766618778, ClinGen allele CA4505826.